The following is an entry in ClinVar:

NM_002471.4(MYH6):c.2384G>A (p.Arg795Gln)

Gene: MYH6 (myosin heavy chain 6; minus strand). Cytogenetic location: 14q11.2.
Variant type: single nucleotide variant.
Coding change: c.2384G>A on transcript NM_002471.4 (MANE Select); coding-DNA position 2384, G replaced by A.
Protein change: p.Arg795Gln; replaces arginine 795 with glutamine.
Molecular consequence: missense variant.
Genome position (GRCh38, 1-based): chr14:23,396,329, C>T on the plus strand (G>A on the coding strand, the complement: MYH6 is on the minus strand). VCF-style: chr14-23396329-C-T. GRCh37 (hg19) VCF-style: chr14-23865538-C-T.
Other names: short protein forms R795Q.
Identifiers: ClinVar variation 14147 (VCV000014147.17), dbSNP rs267606907, ClinGen allele CA123764.

ClinVar aggregate classification (germline): Uncertain significance. Review status: criteria provided, multiple submitters, no conflicts (2 of 4 stars). 7 submissions from 7 submitters: Uncertain significance (6). 1 of the submissions does not count toward it. Last evaluated 2025-12-19.

Conditions:
MYH6-related disorder. Also called: MYH6-related condition; MYH6-Related Disorders.
Cardiovascular phenotype. Identifiers: MedGen CN230736.
Dilated cardiomyopathy 1EE (CMD1EE). Identifiers: Orphanet 154, MedGen C2750466, MONDO:0013198, OMIM 613252.
Hypertrophic cardiomyopathy 14. Identifiers: MedGen C2750467, MONDO:0013197, OMIM 613251.
Sick sinus syndrome 3, susceptibility to (SSS3). Identifiers: Orphanet 166282, MedGen C3279791, MONDO:0013568, OMIM 614090.
Atrial septal defect 3 (ASD3). Identifiers: Orphanet 1478, MedGen C3279790, MONDO:0013567, OMIM 614089.
Hypertrophic cardiomyopathy 1 (CMH1). Also called: MYH7-Related Familial Hypertrophic Cardiomyopathy; Familial hypertrophic cardiomyopathy 1. Identifiers: MedGen C3495498, MONDO:0008647, OMIM 192600.

Allele frequency attached by ClinVar (database versions not stated): TOPMed 0.00002; ExAC 0.00003; gnomAD exomes 0.00004.
gnomAD v4.1: 43 of 1,614,150 alleles (0.0027%); highest among the groups gnomAD compares: East Asian, 0.0067%; no homozygotes.

Submissions (7):

Labcorp Genetics (formerly Invitae), Labcorp
Classification: Uncertain significance for Hypertrophic cardiomyopathy 14. Last evaluated: 2025-12-19. Review status: criteria provided, single submitter. Criteria: Invitae Variant Classification Sherloc (09022015). Collection method: clinical testing. Allele origin: germline.
Comment: This sequence change replaces arginine, which is basic and polar, with glutamine, which is neutral and polar, at codon 795 of the MYH6 protein (p.Arg795Gln). This variant is present in population databases (rs267606907, gnomAD 0.06%). This missense change has been observed in individual(s) with hypertrophic cardiomyopathy and/or syncope (PMID: 11815426, 33407484, 36005429). ClinVar contains an entry for this variant (Variation ID: 14147). Invitae Evidence Modeling of protein sequence and biophysical properties (such as structural, functional, and spatial information, amino acid conservation, physicochemical variation, residue mobility, and thermodynamic stability) indicates that this missense variant is expected to disrupt MYH6 protein function with a positive predictive value of 80%. In summary, the available evidence is currently insufficient to determine the role of this variant in disease. Therefore, it has been classified as a Variant of Uncertain Significance.

Women's Health and Genetics/Laboratory Corporation of America, LabCorp
Classification: Uncertain significance. Last evaluated: 2025-07-30. Review status: criteria provided, single submitter. Criteria: LabCorp Variant Classification Summary - May 2015. Collection method: clinical testing. Allele origin: germline.
Comment: Variant summary: MYH6 c.2384G>A (p.Arg795Gln) results in a conservative amino acid change in the encoded protein sequence. Algorithms developed to predict the effect of missense changes on protein structure and function are either unavailable or do not agree on the potential impact of this missense change. The variant allele was found at a frequency of 4e-05 in 251344 control chromosomes. The observed variant frequency is approximately 1.6-fold of the estimated maximal expected allele frequency for a pathogenic variant in MYH6 causing Hypertrophic Cardiomyopathy phenotype (2.5e-05). However, c.2384G>A has been observed in individuals affected with hypertrophic cardiomyopathy, cardiomyopathy, or neurally mediated syncope (e.g. Chung_2021, Lee_2022, Niimura_2002, Posch_2011, Walsh, 2017). These report(s) do not provide unequivocal conclusions about association of the variant with Hypertrophic Cardiomyopathy. To our knowledge, no experimental evidence demonstrating an impact on protein function has been reported. The following publications have been ascertained in the context of this evaluation (PMID: 33407484, 36005429, 11815426, 22194935, 28082330). ClinVar contains an entry for this variant (Variation ID: 14147). Based on the evidence outlined above, the variant was classified as uncertain significance.

PreventionGenetics, part of Exact Sciences
Classification: Uncertain significance for MYH6-related condition. Last evaluated: 2025-04-30. Review status: criteria provided, single submitter. Criteria: ACMG Guidelines, 2015. Collection method: clinical testing. Allele origin: germline.
Comment: The MYH6 c.2384G>A variant is predicted to result in the amino acid substitution p.Arg795Gln. This variant is reported in 0.060% of alleles in individuals of Ashkenazi Jewish descent in gnomAD. At this time, the clinical significance of this variant is uncertain due to the absence of conclusive functional and genetic evidence.

Ambry Genetics
Classification: Uncertain significance for Cardiovascular phenotype. Last evaluated: 2025-02-11. Review status: criteria provided, single submitter. Criteria: Ambry Variant Classification Scheme 2023. Collection method: clinical testing. Allele origin: germline.
Comment: The p.R795Q variant (also known as c.2384G>A), located in coding exon 18 of the MYH6 gene, results from a G to A substitution at nucleotide position 2384. The arginine at codon 795 is replaced by glutamine, an amino acid with highly similar properties. This variant was reported in individual(s) in hypertrophic cardiomyopathy (HCM) cohorts (Niimura H et al. Circulation, 2002 Jan;105:446-51; Chung H et al. Cardiovasc Ultrasound, 2019 Oct;17:21). This amino acid position is highly conserved in available vertebrate species. In addition, this alteration is predicted to be deleterious by in silico analysis. Based on the available evidence, the clinical significance of this variant remains unclear.

GeneDx
Classification: Uncertain significance. Last evaluated: 2023-02-08. Review status: criteria provided, single submitter. Criteria: GeneDx Variant Classification Process June 2021. Collection method: clinical testing. Allele origin: germline. Affected: yes.
Comment: Identified in patients with HCM in published literature (Niimura et al., 2002; Chung et al., 2021); In silico analysis supports that this missense variant has a deleterious effect on protein structure/function; This variant is associated with the following publications: (PMID: 28518168, 33658040, 33407484, 11815426)

Fulgent Genetics
Classification: Uncertain significance for Hypertrophic cardiomyopathy 1; Hypertrophic cardiomyopathy 14; Dilated cardiomyopathy 1EE; Atrial septal defect 3; Sick sinus syndrome 3, susceptibility to. Last evaluated: 2021-09-10. Review status: criteria provided, single submitter. Criteria: ACMG Guidelines, 2015. Collection method: clinical testing. Allele origin: unknown.

OMIM
Classification: Pathogenic for CARDIOMYOPATHY, FAMILIAL HYPERTROPHIC, 14. Last evaluated: 2002-01-29. Review status: no assertion criteria provided. Collection method: literature only. Allele origin: germline. Not counted in ClinVar's aggregate classification.

Literature cited by the submitters: PubMed 11815426 (cited by 4 submitters); PubMed 33407484 (cited by Labcorp Genetics (formerly Invitae), Labcorp and Women's Health and Genetics/Laboratory Corporation of America, LabCorp); PubMed 36005429 (cited by Labcorp Genetics (formerly Invitae), Labcorp and Women's Health and Genetics/Laboratory Corporation of America, LabCorp); PubMed 22194935 (cited by Women's Health and Genetics/Laboratory Corporation of America, LabCorp); PubMed 28082330 (cited by Women's Health and Genetics/Laboratory Corporation of America, LabCorp); PubMed 28518168 (cited by Ambry Genetics); PubMed 31660989 (cited by Ambry Genetics).